The following is an entry in ClinVar:

NM_000264.5(PTCH1):c.1584T>A (p.Asn528Lys)

Gene: PTCH1 (patched 1; minus strand). Cytogenetic location: 9q22.32.
Variant type: single nucleotide variant.
Coding change: c.1584T>A on transcript NM_000264.5 (MANE Select); coding-DNA position 1584, T replaced by A.
Protein change: p.Asn528Lys; replaces asparagine 528 with lysine.
Molecular consequence: missense variant. On other transcripts: non-coding transcript variant (1).
Genome position (GRCh38, 1-based): chr9:95,476,777, A>T on the plus strand (T>A on the coding strand, the complement: PTCH1 is on the minus strand). VCF-style: chr9-95476777-A-T. GRCh37 (hg19) VCF-style: chr9-98239059-A-T.
Other names: c.1386T>A, p.Asn462Lys (NM_001083602.3); c.1581T>A, p.Asn527Lys (NM_001083603.3); c.1131T>A, p.Asn377Lys (NM_001083604.3, NM_001083605.3, NM_001083606.3 and 1 more transcripts); c.1428T>A, p.Asn476Lys (NM_001354918.2); short protein forms N527K, N377K, N528K, N462K, N476K.
Identifiers: ClinVar variation 2449673 (VCV002449673.2), dbSNP rs2118280594, ClinGen allele CA374118184.

ClinVar aggregate classification (germline): Uncertain significance (1 of 4 stars; one submission).

Conditions:
Hereditary cancer-predisposing syndrome. Also called: Neoplastic Syndromes, Hereditary; Tumor predisposition; Hereditary neoplastic syndrome; Hereditary Cancer Syndrome. Identifiers: Orphanet 140162, MedGen C0027672, MeSH D009386, MONDO:0015356.

Submission:

Ambry Genetics
Classification: Uncertain significance for Hereditary cancer-predisposing syndrome. Last evaluated: 2023-01-21. Review status: criteria provided, single submitter. Criteria: Ambry Variant Classification Scheme 2023. Collection method: clinical testing. Allele origin: germline.
Comment: The p.N528K variant (also known as c.1584T>A), located in coding exon 11 of the PTCH1 gene, results from a T to A substitution at nucleotide position 1584. The asparagine at codon 528 is replaced by lysine, an amino acid with similar properties. This amino acid position is conserved. In addition, the in silico prediction for this alteration is inconclusive. Since supporting evidence is limited at this time, the clinical significance of this alteration remains unclear.